The following is an entry in ClinVar:

NM_001440.4(EXTL3):c.2265G>A (p.Met755Ile)

Gene: EXTL3 (exostosin like glycosyltransferase 3; plus strand). Cytogenetic location: 8p21.1.
Variant type: single nucleotide variant.
Coding change: c.2265G>A on transcript NM_001440.4 (MANE Select); coding-DNA position 2265, G replaced by A.
Protein change: p.Met755Ile; replaces methionine 755 with isoleucine.
Molecular consequence: missense variant. On other transcripts: non-coding transcript variant (1).
Genome position (GRCh38, 1-based): chr8:28,731,339, G>A. VCF-style: chr8-28731339-G-A. GRCh37 (hg19) VCF-style: chr8-28588856-G-A.
Other names: short protein forms M755I.
Identifiers: ClinVar variation 1949050 (VCV001949050.2), dbSNP rs756367170, ClinGen allele CA4696373.

ClinVar aggregate classification (germline): Uncertain significance (1 of 4 stars; one submission).

Allele frequency attached by ClinVar (database versions not stated): ExAC 0.00001.
gnomAD v4.1: 3 of 1,614,242 alleles (0.00019%); highest among the groups gnomAD compares: Middle Eastern, 0.016%; no homozygotes.

Submission:

Labcorp Genetics (formerly Invitae), Labcorp
Classification: Uncertain significance. Last evaluated: 2022-07-23. Review status: criteria provided, single submitter. Criteria: Invitae Variant Classification Sherloc (09022015). Collection method: clinical testing. Allele origin: germline.
Comment: This sequence change replaces methionine, which is neutral and non-polar, with isoleucine, which is neutral and non-polar, at codon 755 of the EXTL3 protein (p.Met755Ile). This variant is present in population databases (rs756367170, gnomAD 0.002%). This variant has not been reported in the literature in individuals affected with EXTL3-related conditions. Algorithms developed to predict the effect of missense changes on protein structure and function (SIFT, PolyPhen-2, Align-GVGD) all suggest that this variant is likely to be tolerated. In summary, the available evidence is currently insufficient to determine the role of this variant in disease. Therefore, it has been classified as a Variant of Uncertain Significance.